The following is an entry in ClinVar:

NM_153717.3(EVC):c.920C>G (p.Ser307Cys)

Gene: EVC (EvC ciliary complex subunit 1; plus strand). Cytogenetic location: 4p16.2.
Variant type: single nucleotide variant.
Coding change: c.920C>G on transcript NM_153717.3 (MANE Select); coding-DNA position 920, C replaced by G.
Protein change: p.Ser307Cys; replaces serine 307 with cysteine.
Molecular consequence: missense variant.
Genome position (GRCh38, 1-based): chr4:5,745,322, C>G. VCF-style: chr4-5745322-C-G. GRCh37 (hg19) VCF-style: chr4-5747049-C-G.
Other names: c.920C>G, p.Ser307Cys (NM_001306090.2, NM_001306092.2); short protein forms S307C.
Identifiers: ClinVar variation 349167 (VCV000349167.15), dbSNP rs372548610, ClinGen allele CA2835908.

ClinVar aggregate classification (germline): Uncertain significance. Review status: criteria provided, multiple submitters, no conflicts (2 of 4 stars). 4 submissions from 4 submitters: Uncertain significance (3). 1 of the submissions does not count toward it. Last evaluated 2021-11-03.

Conditions:
Ellis-van Creveld syndrome (EVC). Also called: EVC-Related Ellis-van Creveld Syndrome; EVC2-Related Ellis-van Creveld Syndrome; MESOECTODERMAL DYSPLASIA; Chondroectodermal dysplasia. Identifiers: Orphanet 289, MedGen C0013903, MONDO:0009162, OMIM 225500.
Curry-Hall syndrome (WAD). Also called: WEYERS ACRODENTAL DYSOSTOSIS. Identifiers: Orphanet 952, MedGen C0457013, MONDO:0008673, OMIM 193530.

Allele frequency attached by ClinVar (database versions not stated): TOPMed 0.00002; gnomAD 0.00003; gnomAD exomes 0.00003; ExAC 0.00004; ESP Exome Variant Server 0.00008.
gnomAD v4.1: 65 of 1,613,936 alleles (0.004%); highest among the groups gnomAD compares: Non-Finnish European, 0.0052%; no homozygotes.

Submissions (4):

Institute for Clinical Genetics, University Hospital TU Dresden, University Hospital TU Dresden
Classification: Uncertain significance. Last evaluated: 2021-11-03. Review status: criteria provided, single submitter. Criteria: ACMG Guidelines, 2015. Collection method: clinical testing. Allele origin: germline.

Labcorp Genetics (formerly Invitae), Labcorp
Classification: Uncertain significance for Curry-Hall syndrome; Ellis-van Creveld syndrome. Last evaluated: 2021-08-27. Review status: criteria provided, single submitter. Criteria: Invitae Variant Classification Sherloc (09022015). Collection method: clinical testing. Allele origin: germline.
Comment: This sequence change replaces serine with cysteine at codon 307 of the EVC protein (p.Ser307Cys). The serine residue is highly conserved and there is a moderate physicochemical difference between serine and cysteine. This variant is present in population databases (rs372548610, ExAC 0.007%). This variant has not been reported in the literature in individuals affected with EVC-related conditions. ClinVar contains an entry for this variant (Variation ID: 349167). Algorithms developed to predict the effect of missense changes on protein structure and function are either unavailable or do not agree on the potential impact of this missense change (SIFT: "Deleterious"; PolyPhen-2: "Possibly Damaging"; Align-GVGD: "Class C0"). In summary, the available evidence is currently insufficient to determine the role of this variant in disease. Therefore, it has been classified as a Variant of Uncertain Significance.

Illumina Laboratory Services, Illumina
Classification: Uncertain significance for Ellis-van Creveld syndrome. Last evaluated: 2018-01-13. Review status: criteria provided, single submitter. Criteria: ICSL Variant Classification Criteria 13 December 2019. Collection method: clinical testing. Allele origin: germline.

Natera, Inc.
Classification: Uncertain significance for Ellis-van Creveld syndrome. Last evaluated: 2019-10-28. Review status: no assertion criteria provided. Collection method: clinical testing. Allele origin: germline. Not counted in ClinVar's aggregate classification.